The following is an entry in ClinVar:

NM_001182.5(ALDH7A1):c.1490-7T>C

Gene: ALDH7A1 (aldehyde dehydrogenase 7 family member A1; minus strand). Cytogenetic location: 5q23.2.
Variant type: single nucleotide variant.
Coding change: c.1490-7T>C on transcript NM_001182.5 (MANE Select); 7 bases into the intron before coding-DNA position 1490, T replaced by C.
Molecular consequence: intron variant.
Genome position (GRCh38, 1-based): chr5:126,546,406, A>G on the plus strand (T>C on the coding strand, the complement: ALDH7A1 is on the minus strand). VCF-style: chr5-126546406-A-G. GRCh37 (hg19) VCF-style: chr5-125882098-A-G.
Other names: c.1298-7T>C (NM_001202404.2); c.1406-7T>C (NM_001201377.2).
Identifiers: ClinVar variation 385551 (VCV000385551.4), dbSNP rs1057522259, ClinGen allele CA16604677.

ClinVar aggregate classification (germline): Likely benign. Review status: criteria provided, multiple submitters, no conflicts (2 of 4 stars). 2 submissions from 2 submitters: Likely benign (2). Last evaluated 2023-10-15.

Conditions:
Pyridoxine-dependent epilepsy (EPEO4). Also called: Pyridoxine-Dependent Epilepsy - ALDH7A1; EPILEPSY, EARLY-ONSET, 4, VITAMIN B6-DEPENDENT; Pyridoxine-Dependent Seizures; PYRIDOXINE DEPENDENCY WITH SEIZURES. Identifiers: Orphanet 3006, MedGen C1849508, MONDO:0009945, OMIM 266100. Disease mechanism: loss of function.

Allele frequency attached by ClinVar (database versions not stated): gnomAD exomes below 0.00001.
gnomAD v4.1: 1 of 1,613,606 alleles (0.000062%); highest among the groups gnomAD compares: East Asian, 0.0022%; no homozygotes.

Submissions (2):

Labcorp Genetics (formerly Invitae), Labcorp
Classification: Likely benign for Pyridoxine-dependent epilepsy. Last evaluated: 2023-10-15. Review status: criteria provided, single submitter. Criteria: Invitae Variant Classification Sherloc (09022015). Collection method: clinical testing. Allele origin: germline.

GeneDx
Classification: Likely benign. Last evaluated: 2016-04-27. Review status: criteria provided, single submitter. Criteria: GeneDx Variant Classification (06012015). Collection method: clinical testing. Allele origin: germline. Affected: yes.
Comment: This variant is considered likely benign or benign based on one or more of the following criteria: it is a conservative change, it occurs at a poorly conserved position in the protein, it is predicted to be benign by multiple in silico algorithms, and/or has population frequency not consistent with disease.